The following is an entry in ClinVar:

NM_005527.4(HSPA1L):c.919T>C (p.Leu307=)

Gene: HSPA1L (heat shock protein family A (Hsp70) member 1 like; minus strand). Cytogenetic location: 6p21.33.
Variant type: single nucleotide variant.
Coding change: c.919T>C on transcript NM_005527.4 (MANE Select); coding-DNA position 919, T replaced by C.
Protein change: p.Leu307=; no amino-acid change (leucine 307 retained).
Molecular consequence: synonymous variant.
Genome position (GRCh38, 1-based): chr6:31,811,054, A>G on the plus strand (T>C on the coding strand, the complement: HSPA1L is on the minus strand). VCF-style: chr6-31811054-A-G. GRCh37 (hg19) VCF-style: chr6-31778831-A-G.
Identifiers: ClinVar variation 3059804 (VCV003059804.2), dbSNP rs35326839, ClinGen allele CA3723991.
Genomic context (GRCh38, chr6:31,811,054, plus strand): 5'-TGGCATCCCGAAGCGCTTTTTCTACAGGCTCCAGGGTACCCCTAAACAGGTCTGCACACA[A>G]CTCTTCAAATCGAGCTCTGGTGATGGATGTATAGAAGTCAATGCCTTCATAAAGTGAATC-3'
Protein context (NP_005518.3, residues 297-317): TSITRARFEE[Leu307=]CADLFRGTLE

ClinVar aggregate classification (germline): Benign (0 of 4 stars; one submission).

Conditions:
HSPA1L-related disorder. Also called: HSPA1L-related condition.

Allele frequency attached by ClinVar (database versions not stated): ESP Exome Variant Server 0.00269; gnomAD exomes 0.00557; gnomAD 0.00809; TOPMed 0.00815; ExAC 0.01357; 1000 Genomes Project 30x 0.03186; 1000 Genomes Project 0.03474.
gnomAD v4.1: 9,625 of 1,613,972 alleles (0.6%); highest among the groups gnomAD compares: East Asian, 8.4%; 328 homozygotes.

Submission:

PreventionGenetics, part of Exact Sciences
Classification: Benign for HSPA1L-related condition. Last evaluated: 2019-05-22. Review status: no assertion criteria provided. Collection method: clinical testing. Allele origin: germline.
Comment: This variant is classified as benign based on ACMG/AMP sequence variant interpretation guidelines (Richards et al. 2015 PMID: 25741868, with internal and published modifications).